The following is an entry in ClinVar:

ClinVar aggregate classification (germline): Uncertain significance (1 of 4 stars; one submission).

Conditions:
Emery-Dreifuss muscular dystrophy 5, autosomal dominant (EDMD5). Also called: EMERY-DREIFUSS MUSCULAR DYSTROPHY 5. Identifiers: Orphanet 261, MedGen C2751805, MONDO:0013072, OMIM 612999.

Submission:

Labcorp Genetics (formerly Invitae), Labcorp
Classification: Uncertain significance for Emery-Dreifuss muscular dystrophy 5, autosomal dominant. Last evaluated: 2022-08-23. Review status: criteria provided, single submitter. Criteria: Invitae Variant Classification Sherloc (09022015). Collection method: clinical testing. Allele origin: germline.
Comment: In summary, the available evidence is currently insufficient to determine the role of this variant in disease. Therefore, it has been classified as a Variant of Uncertain Significance. Algorithms developed to predict the effect of missense changes on protein structure and function are either unavailable or do not agree on the potential impact of this missense change (SIFT: "Tolerated"; PolyPhen-2: "Possibly Damaging"; Align-GVGD: "Class C0"). ClinVar contains an entry for this variant (Variation ID: 639192). This variant has not been reported in the literature in individuals affected with SYNE2-related conditions. This variant is not present in population databases (gnomAD no frequency). This sequence change replaces glycine, which is neutral and non-polar, with arginine, which is basic and polar, at codon 4563 of the SYNE2 protein (p.Gly4563Arg).

NM_182914.3(SYNE2):c.13687G>C (p.Gly4563Arg)

Gene: SYNE2 (spectrin repeat containing nuclear envelope protein 2; plus strand). Cytogenetic location: 14q23.2.
Variant type: single nucleotide variant.
Coding change: c.13687G>C on transcript NM_182914.3 (MANE Select); coding-DNA position 13687, G replaced by C.
Protein change: p.Gly4563Arg; replaces glycine 4563 with arginine.
Molecular consequence: missense variant.
Genome position (GRCh38, 1-based): chr14:64,126,459, G>C. VCF-style: chr14-64126459-G-C. GRCh37 (hg19) VCF-style: chr14-64593177-G-C.
Other names: c.13687G>C, p.Gly4563Arg (NM_015180.6); short protein forms G4563R.
Identifiers: ClinVar variation 639192 (VCV000639192.8), dbSNP rs1595697916, ClinGen allele CA389970807.